The following is an entry in ClinVar:

ClinVar aggregate classification (germline): Uncertain significance (1 of 4 stars; one submission).

Submission:

Ambry Genetics
Classification: Uncertain significance. Last evaluated: 2025-08-20. Review status: criteria provided, single submitter. Criteria: Ambry Variant Classification Scheme 2023. Collection method: clinical testing. Allele origin: germline.
Comment: The p.A491G variant (also known as c.1472C>G), located in coding exon 8 of the ATRIP gene, results from a C to G substitution at nucleotide position 1472. The alanine at codon 491 is replaced by glycine, an amino acid with similar properties. This amino acid position is conserved. In addition, this alteration is predicted to be tolerated by in silico analysis. Based on the available evidence, the clinical significance of this variant remains unclear.

NM_130384.3(ATRIP):c.1472C>G (p.Ala491Gly)

Genes: ATRIP (ATR interacting protein; plus strand), ATRIP-TREX1 (ATRIP-TREX1 readthrough; plus strand). Cytogenetic location: 3p21.31.
Variant type: single nucleotide variant.
Coding change: c.1472C>G on transcript NM_130384.3 (MANE Select); coding-DNA position 1472, C replaced by G.
Protein change: p.Ala491Gly; replaces alanine 491 with glycine.
Molecular consequence: missense variant. On other transcripts: non-coding transcript variant (1).
Genome position (GRCh38, 1-based): chr3:48,460,526, C>G. VCF-style: chr3-48460526-C-G. GRCh37 (hg19) VCF-style: chr3-48501925-C-G.
Other names: c.1091C>G, p.Ala364Gly (NM_001271022.2); c.1193C>G, p.Ala398Gly (NM_001271023.2); c.1472C>G, p.Ala491Gly (NM_032166.4); short protein forms A364G, A398G, A491G.
Identifiers: ClinVar variation 4182545 (VCV004182545.1).